The following is an entry in ClinVar:

ClinVar aggregate classification (germline): Uncertain significance (1 of 4 stars; one submission).

Conditions:
PLXNA3-related disorder. Also called: PLXNA3-related condition.

Submission:

PreventionGenetics, part of Exact Sciences
Classification: Uncertain significance for PLXNA3-related condition. Last evaluated: 2026-03-25. Review status: criteria provided, single submitter. Criteria: ACMG Guidelines, 2015. Collection method: clinical testing. Allele origin: germline.
Comment: The PLXNA3 c.1790C>T variant is predicted to result in the amino acid substitution p.Pro597Leu. To our knowledge, this variant has not been reported in the literature. This variant is reported in 0.0013% of alleles in individuals of European (Non-Finnish) descent in gnomAD. At this time, the clinical significance of this variant is uncertain due to the absence of conclusive functional and genetic evidence.

NM_017514.5(PLXNA3):c.1790C>T (p.Pro597Leu)

Gene: PLXNA3 (plexin A3; plus strand). Cytogenetic location: Xq28.
Variant type: single nucleotide variant.
Coding change: c.1790C>T on transcript NM_017514.5 (MANE Select); coding-DNA position 1790, C replaced by T.
Protein change: p.Pro597Leu; replaces proline 597 with leucine.
Molecular consequence: missense variant.
Genome position (GRCh38, 1-based): chrX:154,464,275, C>T. VCF-style: chrX-154464275-C-T. GRCh37 (hg19) VCF-style: chrX-153692618-C-T.
Other names: short protein forms P597L.
Identifiers: ClinVar variation 4991604 (VCV004991604.1).
Genomic context (GRCh38, chrX:154,464,275, plus strand): 5'-AGGCGGCGGCGGAGAACGAGGCGGTCCTGCTGCCCTCCGGTGAACTGCTCTGCCCCTCAC[C>T]CTCCCTCCAGGAGCTCCGAGCTCTTACCAGGGGGCATGGTCAGTGGGTTGGGGCTGCCCA-3'
Protein context (NP_059984.3, residues 587-607): LPSGELLCPS[Pro597Leu]SLQELRALTR